The following is an entry in ClinVar:

NM_001692.4(ATP6V1B1):c.1332C>T (p.Leu444=)

Gene: ATP6V1B1 (ATPase H+ transporting V1 subunit B1; plus strand). Cytogenetic location: 2p13.3.
Variant type: single nucleotide variant.
Coding change: c.1332C>T on transcript NM_001692.4 (MANE Select); coding-DNA position 1332, C replaced by T.
Protein change: p.Leu444=; no amino-acid change (leucine 444 retained).
Molecular consequence: synonymous variant.
Genome position (GRCh38, 1-based): chr2:70,964,819, C>T. VCF-style: chr2-70964819-C-T. GRCh37 (hg19) VCF-style: chr2-71191949-C-T.
Identifiers: ClinVar variation 336927 (VCV000336927.36), dbSNP rs372223196, ClinGen allele CA1701333.

ClinVar aggregate classification (germline): Conflicting classifications of pathogenicity. Review status: criteria provided, conflicting classifications (1 of 4 stars). 6 submissions from 6 submitters: Uncertain significance (1); Likely benign (3). 2 of the submissions do not count toward it. Last evaluated 2026-07-01.

Conditions:
ATP6V1B1-related disorder. Also called: ATP6V1B1-related condition.
Renal tubular acidosis with progressive nerve deafness. Also called: renal tubular acidosis, distal, 2, with progressive sensorineural hearing loss; Distal Renal Tubular Acidosis with Progressive Sensorineural Deafness; RENAL TUBULAR ACIDOSIS, AUTOSOMAL RECESSIVE, WITH PROGRESSIVE NERVE DEAFNESS; RTA WITH PROGRESSIVE NERVE DEAFNESS. Identifiers: MedGen C0403554, MONDO:0009968, OMIM 267300.

Allele frequency attached by ClinVar (database versions not stated): gnomAD 0.00019; TOPMed 0.00019; gnomAD exomes 0.00021; ESP Exome Variant Server 0.00023.
gnomAD v4.1: 330 of 1,613,954 alleles (0.02%); highest among the groups gnomAD compares: Non-Finnish European, 0.027%; no homozygotes.

Submissions (6):

CeGaT Center for Human Genetics Tuebingen
Classification: Likely benign. Last evaluated: 2026-07-01. Review status: criteria provided, single submitter. Criteria: CeGaT Center For Human Genetics Tuebingen Variant Classification Criteria Version 2. Collection method: clinical testing. Allele origin: germline. Affected: yes. Observed: 2 variant alleles.
Comment: ATP6V1B1: BP4, BP7

Labcorp Genetics (formerly Invitae), Labcorp
Classification: Likely benign. Last evaluated: 2026-01-13. Review status: criteria provided, single submitter. Criteria: Invitae Variant Classification Sherloc (09022015). Collection method: clinical testing. Allele origin: germline.

Blueprint Genetics
Classification: Likely benign. Last evaluated: 2024-10-18. Review status: criteria provided, single submitter. Criteria: ACMG Guidelines, 2015. Collection method: clinical testing. Allele origin: germline.

Illumina Laboratory Services, Illumina
Classification: Uncertain significance for Renal tubular acidosis with progressive nerve deafness. Last evaluated: 2018-01-13. Review status: criteria provided, single submitter. Criteria: ICSL Variant Classification Criteria 13 December 2019. Collection method: clinical testing. Allele origin: germline.

Natera, Inc.
Classification: Likely benign for Renal tubular acidosis with progressive nerve deafness. Last evaluated: 2020-09-16. Review status: no assertion criteria provided. Collection method: clinical testing. Allele origin: germline. Not counted in ClinVar's aggregate classification.

PreventionGenetics, part of Exact Sciences
Classification: Likely benign for ATP6V1B1-related condition. Last evaluated: 2019-09-19. Review status: no assertion criteria provided. Collection method: clinical testing. Allele origin: germline. Not counted in ClinVar's aggregate classification.
Comment: This variant is classified as likely benign based on ACMG/AMP sequence variant interpretation guidelines (Richards et al. 2015 PMID: 25741868, with internal and published modifications).